The following is an entry in ClinVar:

NM_000368.5(TSC1):c.1168A>T (p.Thr390Ser)

Gene: TSC1 (TSC complex subunit 1; minus strand). Cytogenetic location: 9q34.13.
Variant type: single nucleotide variant.
Coding change: c.1168A>T on transcript NM_000368.5 (MANE Select); coding-DNA position 1168, A replaced by T.
Protein change: p.Thr390Ser; replaces threonine 390 with serine.
Molecular consequence: missense variant. On other transcripts: non-coding transcript variant (5).
Genome position (GRCh38, 1-based): chr9:132,910,666, T>A on the plus strand (A>T on the coding strand, the complement: TSC1 is on the minus strand). VCF-style: chr9-132910666-T-A. GRCh37 (hg19) VCF-style: chr9-135786053-T-A.
Other names: c.805A>T, p.Thr269Ser (NM_001406618.1, NM_001406619.1, NM_001406624.1 and 5 more transcripts); c.802A>T, p.Thr268Ser (NM_001406620.1, NM_001406621.1, NM_001406622.1 and 2 more transcripts); c.217A>T, p.Thr73Ser (NM_001406626.1); c.214A>T, p.Thr72Ser (NM_001406627.1, NM_001406628.1); c.115A>T, p.Thr39Ser (NM_001406630.1, NM_001406629.1); c.1165A>T, p.Thr389Ser (NM_001162426.2, NM_001406597.1, NM_001406598.1 and 6 more transcripts); c.1015A>T, p.Thr339Ser (NM_001162427.2, NM_001406610.1); c.1168A>T, p.Thr390Ser (NM_001406592.1, NM_001406593.1, NM_001406594.1 and 7 more transcripts); and 1 more; short protein forms T269S, T390S, T39S, T73S, T268S, T72S, T338S, T339S.
Identifiers: ClinVar variation 3811229 (VCV003811229.1).

ClinVar aggregate classification (germline): Uncertain significance (1 of 4 stars; one submission).

Conditions:
Hereditary cancer-predisposing syndrome. Also called: Neoplastic Syndromes, Hereditary; Hereditary Cancer Syndrome; Tumor predisposition; Hereditary neoplastic syndrome. Identifiers: Orphanet 140162, MedGen C0027672, MeSH D009386, MONDO:0015356.

Submission:

Ambry Genetics
Classification: Uncertain significance for Hereditary cancer-predisposing syndrome. Last evaluated: 2024-12-12. Review status: criteria provided, single submitter. Criteria: Ambry Variant Classification Scheme 2023. Collection method: clinical testing. Allele origin: germline.
Comment: The p.T390S variant (also known as c.1168A>T), located in coding exon 10 of the TSC1 gene, results from an A to T substitution at nucleotide position 1168. The threonine at codon 390 is replaced by serine, an amino acid with similar properties. This amino acid position is conserved. In addition, the in silico prediction for this alteration is inconclusive. Based on the available evidence, the clinical significance of this variant remains unclear.